The following is an entry in ClinVar:

ClinVar aggregate classification (germline): Conflicting classifications of pathogenicity. Review status: criteria provided, conflicting classifications (1 of 4 stars). 6 submissions from 6 submitters: Uncertain significance (1); Benign (1); Likely benign (3). 1 of the submissions does not count toward it. Last evaluated 2026-02-04.

Conditions:
Deficiency of alpha-mannosidase (MANSA). Also called: Mannosidosis, alpha-, types I and II; LYSOSOMAL ALPHA-D-MANNOSIDASE DEFICIENCY; Alpha-Mannosidosis. Identifiers: Orphanet 61, MedGen C0024748, MONDO:0009561, OMIM 248500.

Submissions (6):

Labcorp Genetics (formerly Invitae), Labcorp
Classification: Likely benign for Deficiency of alpha-mannosidase. Last evaluated: 2026-02-04. Review status: criteria provided, single submitter. Criteria: Invitae Variant Classification Sherloc (09022015). Collection method: clinical testing. Allele origin: germline.

CeGaT Center for Human Genetics Tuebingen
Classification: Benign. Last evaluated: 2025-11-01. Review status: criteria provided, single submitter. Criteria: CeGaT Center For Human Genetics Tuebingen Variant Classification Criteria Version 2. Collection method: clinical testing. Allele origin: germline. Affected: yes. Observed: 5 variant alleles.
Comment: MAN2B1: BS1, BS2

Mayo Clinic Laboratories, Mayo Clinic
Classification: Likely benign. Last evaluated: 2025-03-03. Review status: criteria provided, single submitter. Criteria: ACMG Guidelines, 2015. Collection method: clinical testing. Allele origin: germline. Observed: 7 variant alleles.
Comment: BS1, BP4

Center for Pediatric Genomic Medicine, Children's Mercy Hospital and Clinics
Classification: Uncertain significance. Last evaluated: 2017-05-11. Review status: criteria provided, single submitter. Criteria: ACMG Guidelines, 2015. Collection method: clinical testing. Allele origin: germline.

Eurofins Ntd Llc (ga)
Classification: Likely benign. Last evaluated: 2016-08-12. Review status: criteria provided, single submitter. Criteria: EGL Classification Definitions. Collection method: clinical testing. Allele origin: germline. Observed: 1 variant allele.

Natera, Inc.
Classification: Benign for Alpha-mannosidosis. Last evaluated: 2020-06-16. Review status: no assertion criteria provided. Collection method: clinical testing. Allele origin: germline. Not counted in ClinVar's aggregate classification.

NM_000528.4(MAN2B1):c.2267+8dup

Gene: MAN2B1 (mannosidase alpha class 2B member 1; minus strand). Cytogenetic location: 19p13.13.
Variant type: Duplication.
Coding change: c.2267+8dup on transcript NM_000528.4 (MANE Select); 8 bases into the intron after coding-DNA position 2267, one base duplicated (G; older notation c.2267+8dupG).
Molecular consequence: intron variant.
Genome position (GRCh38, 1-based): chr19:12,649,905, C duplicated on the plus strand (G on the coding strand, the reverse complement: MAN2B1 is on the minus strand); the first of 6 consecutive C bases (chr19:12,649,905-12,649,910); duplicating any one gives the same sequence. VCF-style (leftmost placement, unchanged base first): chr19-12649904-A-AC. GRCh37 (hg19) VCF-style: chr19-12760718-A-AC.
Other names: p.?; c.2267+8dupG (NM_000528.4); c.2264+8dup (NM_001173498.2).
Identifiers: ClinVar variation 290029 (VCV000290029.47), dbSNP rs572289342, ClinGen allele CA9226141.
Genomic context (GRCh38, chr19:12,649,904, plus strand): 5'-TTTCCCTCACCACCCCTGGGCCCCAACACACCACAGACCACCCCCTCAGTGCTCTCAGTC[A>AC]CCCCCCACCTCCTCTCCAGGATCTCCCGGCCATTGCTGTCTGTGTAGAAGCGTCCCTTTG-3'